The following is an entry in ClinVar:

NM_015541.3(LRIG1):c.2063C>G (p.Thr688Ser)

Gene: LRIG1 (leucine rich repeats and immunoglobulin like domains 1; minus strand). Cytogenetic location: 3p14.1.
Variant type: single nucleotide variant.
Coding change: c.2063C>G on transcript NM_015541.3 (MANE Select); coding-DNA position 2063, C replaced by G.
Protein change: p.Thr688Ser; replaces threonine 688 with serine.
Molecular consequence: missense variant.
Genome position (GRCh38, 1-based): chr3:66,383,999, G>C on the plus strand (C>G on the coding strand, the complement: LRIG1 is on the minus strand). VCF-style: chr3-66383999-G-C. GRCh37 (hg19) VCF-style: chr3-66434423-G-C.
Other names: c.1988C>G, p.Thr663Ser (NM_001377344.1); c.1283C>G, p.Thr428Ser (NM_001377345.1, NM_001377346.1); c.1061C>G, p.Thr354Ser (NM_001377347.1); c.1034C>G, p.Thr345Ser (NM_001377348.1); c.779C>G, p.Thr260Ser (NM_001377349.1); short protein forms T688S, T260S, T345S, T354S, T428S, T663S.
Identifiers: ClinVar variation 775884 (VCV000775884.5), dbSNP rs76504759, ClinGen allele CA2484545.

ClinVar aggregate classification (germline): Benign. Review status: criteria provided, single submitter (1 of 4 stars). 2 submissions from 2 submitters: Benign (1). 1 of the submissions does not count toward it. Last evaluated 2018-07-31.

Conditions:
LRIG1-related disorder. Also called: LRIG1-related condition.

Allele frequency attached by ClinVar (database versions not stated): gnomAD 0.00512 and 0.00482; TOPMed 0.00513; ESP Exome Variant Server 0.00561; 1000 Genomes Project 0.00679; 1000 Genomes Project 30x 0.00750; ExAC 0.00156.
gnomAD v4.1: 1,471 of 1,612,486 alleles (0.091%); highest among the groups gnomAD compares: African/African-American, 1.7%; 8 homozygotes.

Submissions (2):

Labcorp Genetics (formerly Invitae), Labcorp
Classification: Benign. Last evaluated: 2018-07-31. Review status: criteria provided, single submitter. Criteria: Invitae Variant Classification Sherloc (09022015). Collection method: clinical testing. Allele origin: germline.

PreventionGenetics, part of Exact Sciences
Classification: Benign for LRIG1-related condition. Last evaluated: 2019-10-28. Review status: no assertion criteria provided. Collection method: clinical testing. Allele origin: germline. Not counted in ClinVar's aggregate classification.
Comment: This variant is classified as benign based on ACMG/AMP sequence variant interpretation guidelines (Richards et al. 2015 PMID: 25741868, with internal and published modifications).